The following is an entry in ClinVar:

NM_001127208.3(TET2):c.3223G>T (p.Asp1075Tyr)

Genes: TET2 (tet methylcytosine dioxygenase 2; plus strand), TET2-AS1 (TET2 antisense RNA 1; minus strand). Cytogenetic location: 4q24.
Variant type: single nucleotide variant.
Coding change: c.3223G>T on transcript NM_001127208.3 (MANE Select); coding-DNA position 3223, G replaced by T.
Protein change: p.Asp1075Tyr; replaces aspartic acid 1075 with tyrosine.
Molecular consequence: missense variant.
Genome position (GRCh38, 1-based): chr4:105,237,165, G>T. VCF-style: chr4-105237165-G-T. GRCh37 (hg19) VCF-style: chr4-106158322-G-T.
Other names: c.3223G>T, p.Asp1075Tyr (NM_017628.4); short protein forms D1075Y.
Identifiers: ClinVar variation 3455298 (VCV003455298.1).

ClinVar aggregate classification (germline): Uncertain significance (1 of 4 stars; one submission).

gnomAD v4.1: 5 of 1,614,038 alleles (0.00031%); highest among the groups gnomAD compares: Non-Finnish European, 0.00042%; no homozygotes.

Submission:

Ambry Genetics
Classification: Uncertain significance. Last evaluated: 2024-11-18. Review status: criteria provided, single submitter. Criteria: Ambry Variant Classification Scheme 2023. Collection method: clinical testing. Allele origin: germline.
Comment: The p.D1075Y variant (also known as c.3223G>T), located in coding exon 1 of the TET2 gene, results from a G to T substitution at nucleotide position 3223. The aspartic acid at codon 1075 is replaced by tyrosine, an amino acid with highly dissimilar properties. This amino acid position is conserved. In addition, this alteration is predicted to be tolerated by in silico analysis. Based on the available evidence, the clinical significance of this variant remains unclear.